The following is an entry in ClinVar:

NM_001042492.3(NF1):c.1261-165_1302del

Gene: NF1 (neurofibromin 1; plus strand). Cytogenetic location: 17q11.2.
Variant type: Deletion.
Coding change: c.1261-165_1302del on transcript NM_001042492.3 (MANE Select); 165 bases into the intron before coding-DNA position 1261 through coding-DNA position 1302, 207 bases deleted.
Molecular consequence: splice acceptor variant.
Genome position (GRCh38, 1-based): chr17:31,206,075-31,206,281, 207 bases deleted. GRCh37 (hg19): chr17:29,533,093-29,533,299.
Other names: c.1261-165_1302del (NM_000267.4, NM_001128147.3).
Identifiers: ClinVar variation 2134400 (VCV002134400.4), dbSNP rs2544809535, ClinGen allele CA2580093012.

ClinVar aggregate classification (germline): Pathogenic (1 of 4 stars; one submission).

Conditions:
Neurofibromatosis, type 1 (NF1). Also called: Peripheral type neurofibromatosis; NEUROFIBROMATOSIS, TYPE I, SOMATIC; Neurofibromatosis, type I; VON RECKLINGHAUSEN DISEASE. Identifiers: Orphanet 636, MedGen C0027831, MONDO:0018975, OMIM 162200. Disease mechanism: loss of function.

Submission:

Labcorp Genetics (formerly Invitae), Labcorp
Classification: Pathogenic for Neurofibromatosis, type 1. Last evaluated: 2022-05-05. Review status: criteria provided, single submitter. Criteria: Invitae Variant Classification Sherloc (09022015). Collection method: clinical testing. Allele origin: germline.
Comment: For these reasons, this variant has been classified as Pathogenic. Other variant(s) that result in the loss of exon 12 have been determined to be pathogenic (Invitae). This suggests that this variant may also be clinically significant and likely to be disease-causing. Studies have shown that this variant results in skipping of exon 12, but is expected to preserve the integrity of the reading-frame (Invitae). This variant has not been reported in the literature in individuals affected with NF1-related conditions. This variant is not present in population databases (gnomAD no frequency). This variant results in the deletion of part of exon 12 of the NF1 gene. RNA analysis indicates that this variant induces altered splicing and likely results in a shortened protein product.